The following is an entry in ClinVar:

ClinVar aggregate classification (germline): Likely benign (1 of 4 stars; one submission).

Conditions:
Charcot-Marie-Tooth disease type 2B (CMT2B). Also called: Charcot-Marie-Tooth Neuropathy Type 2B; CHARCOT-MARIE-TOOTH DISEASE, AXONAL, TYPE 2B; CHARCOT-MARIE-TOOTH DISEASE, AUTOSOMAL DOMINANT, TYPE 2B; HEREDITARY MOTOR AND SENSORY NEUROPATHY IIB. Identifiers: Orphanet 99936, MedGen C1833219, MONDO:0010949, OMIM 600882.

Allele frequency attached by ClinVar (database versions not stated): gnomAD 0.00006 and 0.00009; TOPMed 0.00006; 1000 Genomes Project 30x 0.00094; 1000 Genomes Project 0.00100.

Submission:

Illumina Laboratory Services, Illumina
Classification: Likely benign for Charcot-Marie-Tooth disease type 2B. Last evaluated: 2018-01-12. Review status: criteria provided, single submitter. Criteria: ICSL Variant Classification Criteria 13 December 2019. Collection method: clinical testing. Allele origin: germline.
Comment: This variant was observed in the ICSL laboratory as part of a predisposition screen in an ostensibly healthy population. It had not been previously curated by ICSL or reported in the Human Gene Mutation Database (HGMD: prior to June 1st, 2018), and was therefore a candidate for classification through an automated scoring system. Utilizing variant allele frequency, disease prevalence and penetrance estimates, and inheritance mode, an automated score was calculated to assess if this variant is too frequent to cause the disease. Based on the score and internal cut-off values, a variant classified as likely benign is not then subjected to further curation. The score for this variant resulted in a classification of likely benign for this disease.

NM_004637.6(RAB7A):c.*1141C>T

Gene: RAB7A (RAB7A, member RAS oncogene family; plus strand). Cytogenetic location: 3q21.3.
Variant type: single nucleotide variant.
Coding change: c.*1141C>T on transcript NM_004637.6 (MANE Select); 1141 bases downstream of the stop codon, C replaced by T.
Molecular consequence: 3 prime UTR variant.
Genome position (GRCh38, 1-based): chr3:128,814,563, C>T. VCF-style: chr3-128814563-C-T. GRCh37 (hg19) VCF-style: chr3-128533406-C-T.
Identifiers: ClinVar variation 901117 (VCV000901117.4), dbSNP rs192329045, ClinGen allele CA82514157.